The following is an entry in ClinVar:

NM_032242.4(PLXNA1):c.2095C>T (p.Arg699Cys)

Gene: PLXNA1 (plexin A1; plus strand). Cytogenetic location: 3q21.3.
Variant type: single nucleotide variant.
Coding change: c.2095C>T on transcript NM_032242.4 (MANE Select); coding-DNA position 2095, C replaced by T.
Protein change: p.Arg699Cys; replaces arginine 699 with cysteine.
Molecular consequence: missense variant.
Genome position (GRCh38, 1-based): chr3:127,007,896, C>T. VCF-style: chr3-127007896-C-T. GRCh37 (hg19) VCF-style: chr3-126726739-C-T.
Other names: short protein forms R699C.
Identifiers: ClinVar variation 3307886 (VCV003307886.2).

ClinVar aggregate classification (germline): Uncertain significance. Review status: criteria provided, single submitter (1 of 4 stars). 2 submissions from 2 submitters: Uncertain significance (1). 1 of the submissions does not count toward it. Last evaluated 2024-03-21.

Conditions:
PLXNA1-related disorder. Also called: PLXNA1-related condition.

gnomAD v4.1: 5 of 1,609,808 alleles (0.00031%); highest among the groups gnomAD compares: Non-Finnish European, 0.00042%; no homozygotes.

Submissions (2):

Ambry Genetics
Classification: Uncertain significance. Last evaluated: 2024-03-21. Review status: criteria provided, single submitter. Criteria: Ambry Variant Classification Scheme 2023. Collection method: clinical testing. Allele origin: germline.

PreventionGenetics, part of Exact Sciences
Classification: Uncertain significance for PLXNA1-related condition. Last evaluated: 2024-05-25. Review status: no assertion criteria provided. Collection method: clinical testing. Allele origin: germline. Not counted in ClinVar's aggregate classification.
Comment: The PLXNA1 c.2095C>T variant is predicted to result in the amino acid substitution p.Arg699Cys. To our knowledge, this variant has not been reported in the literature. This variant is reported in 0.0016% of alleles in individuals of European (Non-Finnish) descent in gnomAD. At this time, the clinical significance of this variant is uncertain due to the absence of conclusive functional and genetic evidence.